The following is an entry in ClinVar:

NM_001401501.2(MUC16):c.2730G>A (p.Ser910=)

Gene: MUC16 (mucin 16, cell surface associated; minus strand). Cytogenetic location: 19p13.2.
Variant type: single nucleotide variant.
Coding change: c.2730G>A on transcript NM_001401501.2 (MANE Select); coding-DNA position 2730, G replaced by A.
Protein change: p.Ser910=; no amino-acid change (serine 910 retained).
Molecular consequence: synonymous variant.
Genome position (GRCh38, 1-based): chr19:8,978,529, C>T on the plus strand (G>A on the coding strand, the complement: MUC16 is on the minus strand). VCF-style: chr19-8978529-C-T. GRCh37 (hg19) VCF-style: chr19-9089205-C-T.
Other names: c.3156G>A, p.Ser1052= (NM_001414686.1); c.2610G>A, p.Ser870= (NM_001414687.1, NM_024690.2).
Identifiers: ClinVar variation 3045835 (VCV003045835.2), dbSNP rs367768036, ClinGen allele CA9173180.

ClinVar aggregate classification (germline): Likely benign (0 of 4 stars; one submission).

Conditions:
MUC16-related disorder. Also called: MUC16-related condition.

Allele frequency attached by ClinVar (database versions not stated): TOPMed 0.00050; ESP Exome Variant Server 0.00058; gnomAD exomes 0.00078; gnomAD 0.00117; ExAC 0.00118; 1000 Genomes Project 0.00120; 1000 Genomes Project 30x 0.00141.

Submission:

PreventionGenetics, part of Exact Sciences
Classification: Likely benign for MUC16-related condition. Last evaluated: 2019-10-28. Review status: no assertion criteria provided. Collection method: clinical testing. Allele origin: germline.
Comment: This variant is classified as likely benign based on ACMG/AMP sequence variant interpretation guidelines (Richards et al. 2015 PMID: 25741868, with internal and published modifications).